The following is an entry in ClinVar:

NM_000135.4(FANCA):c.2216C>G (p.Pro739Arg)

Gene: FANCA (FA complementation group A; minus strand). Cytogenetic location: 16q24.3.
Variant type: single nucleotide variant.
Coding change: c.2216C>G on transcript NM_000135.4 (MANE Select); coding-DNA position 2216, C replaced by G.
Protein change: p.Pro739Arg; replaces proline 739 with arginine.
Molecular consequence: missense variant.
Genome position (GRCh38, 1-based): chr16:89,770,570, G>C on the plus strand (C>G on the coding strand, the complement: FANCA is on the minus strand). VCF-style: chr16-89770570-G-C. GRCh37 (hg19) VCF-style: chr16-89836978-G-C.
Other names: c.2216C>G, p.Pro739Arg (NM_001286167.3); short protein forms P739R.
Identifiers: ClinVar variation 1414494 (VCV001414494.7), dbSNP rs45441106, ClinGen allele CA397447020.

ClinVar aggregate classification (germline): Uncertain significance (1 of 4 stars; one submission).

Conditions:
Fanconi anemia (FA). Also called: Fanconi's anemia. Identifiers: Orphanet 84, MedGen C0015625, MeSH D005199, MONDO:0019391.

gnomAD v4.1: 11 of 1,609,294 alleles (0.00068%); highest among the groups gnomAD compares: African/African-American, 0.0013%; no homozygotes.

Submission:

Labcorp Genetics (formerly Invitae), Labcorp
Classification: Uncertain significance for Fanconi anemia. Last evaluated: 2024-03-02. Review status: criteria provided, single submitter. Criteria: Invitae Variant Classification Sherloc (09022015). Collection method: clinical testing. Allele origin: germline.
Comment: This sequence change replaces proline, which is neutral and non-polar, with arginine, which is basic and polar, at codon 739 of the FANCA protein (p.Pro739Arg). This variant is not present in population databases (gnomAD no frequency). This variant has not been reported in the literature in individuals affected with FANCA-related conditions. ClinVar contains an entry for this variant (Variation ID: 1414494). Advanced modeling of protein sequence and biophysical properties (such as structural, functional, and spatial information, amino acid conservation, physicochemical variation, residue mobility, and thermodynamic stability) performed at Invitae indicates that this missense variant is expected to disrupt FANCA protein function with a positive predictive value of 80%. In summary, the available evidence is currently insufficient to determine the role of this variant in disease. Therefore, it has been classified as a Variant of Uncertain Significance.